The following is an entry in ClinVar:

ClinVar aggregate classification (germline): Conflicting classifications of pathogenicity. Review status: criteria provided, conflicting classifications (1 of 4 stars). 8 submissions from 7 submitters: Uncertain significance (1); Benign (1); Likely benign (4). 2 of the submissions do not count toward it. Last evaluated 2025-09-27.

Conditions:
Hereditary cancer-predisposing syndrome. Also called: Tumor predisposition; Hereditary neoplastic syndrome; Neoplastic Syndromes, Hereditary; Hereditary Cancer Syndrome. Identifiers: Orphanet 140162, MedGen C0027672, MeSH D009386, MONDO:0015356.
Familial cancer of breast. Also called: BREAST CANCER, FAMILIAL; Hereditary breast cancer; hereditary breast carcinoma. Identifiers: Orphanet 227535, MedGen C0346153, MONDO:0016419, OMIM 114480. Disease mechanism: loss of function.
Fanconi anemia complementation group J. Also called: BRIP1-Related Fanconi Anemia. Identifiers: Orphanet 84, MedGen C1836860, MONDO:0012187, OMIM 609054.
Ovarian cancer. Also called: OVARIAN CANCER, SOMATIC. Identifiers: Orphanet 213500, MedGen C1140680, MONDO:0008170, OMIM 167000.

Allele frequency attached by ClinVar (database versions not stated): gnomAD 0.00001.
gnomAD v4.1: 22 of 1,613,758 alleles (0.0014%); highest among the groups gnomAD compares: Non-Finnish European, 0.0015%; no homozygotes.

Submissions (8):

Labcorp Genetics (formerly Invitae), Labcorp
Classification: Likely benign for Familial cancer of breast; Fanconi anemia complementation group J. Last evaluated: 2025-09-27. Review status: criteria provided, single submitter. Criteria: Invitae Variant Classification Sherloc (09022015). Collection method: clinical testing. Allele origin: germline.

Myriad Genetics, Inc.
Classification: Benign for Familial cancer of breast. Last evaluated: 2023-03-01. Review status: criteria provided, single submitter. Criteria: Myriad Autosomal Dominant, Autosomal Recessive and X-Linked Classification Criteria (2023). Collection method: clinical testing. Allele origin: unknown.
Comment: This variant is considered benign. This variant is a silent/synonymous amino acid change and it is not expected to impact splicing.

Ambry Genetics
Classification: Likely benign for Hereditary cancer-predisposing syndrome. Last evaluated: 2019-03-06. Review status: criteria provided, single submitter. Criteria: Ambry Variant Classification Scheme 2023. Collection method: clinical testing. Allele origin: germline.

Color Diagnostics, LLC DBA Color Health
Classification: Likely benign for Hereditary cancer-predisposing syndrome. Last evaluated: 2018-02-12. Review status: criteria provided, single submitter. Criteria: ACMG Guidelines, 2015. Collection method: clinical testing. Allele origin: germline.

Illumina Laboratory Services, Illumina
Classification: Uncertain significance for Fanconi anemia complementation group J. Last evaluated: 2018-01-12. Review status: criteria provided, single submitter. Criteria: ICSL Variant Classification Criteria 13 December 2019. Collection method: clinical testing. Allele origin: germline.

GeneDx
Classification: Likely benign. Last evaluated: 2018-01-08. Review status: criteria provided, single submitter. Criteria: GeneDx Variant Classification (06012015). Collection method: clinical testing. Allele origin: germline. Affected: yes.
Comment: This variant is considered likely benign or benign based on one or more of the following criteria: it is a conservative change, it occurs at a poorly conserved position in the protein, it is predicted to be benign by multiple in silico algorithms, and/or has population frequency not consistent with disease.

Counsyl
Classification: Likely benign for Fanconi anemia complementation group J. Last evaluated: 2016-08-24. Review status: no assertion criteria provided. Collection method: clinical testing. Allele origin: unknown. Not counted in ClinVar's aggregate classification.

Counsyl
Classification: Likely benign for Ovarian cancer. Last evaluated: 2016-08-24. Review status: no assertion criteria provided. Collection method: clinical testing. Allele origin: unknown. Not counted in ClinVar's aggregate classification.

NM_032043.3(BRIP1):c.612C>G (p.Ser204=)

Gene: BRIP1 (BRCA1 interacting DNA helicase 1; minus strand). Cytogenetic location: 17q23.2.
Variant type: single nucleotide variant.
Coding change: c.612C>G on transcript NM_032043.3 (MANE Select); coding-DNA position 612, C replaced by G.
Protein change: p.Ser204=; no amino-acid change (serine 204 retained).
Molecular consequence: synonymous variant.
Genome position (GRCh38, 1-based): chr17:61,847,116, G>C on the plus strand (C>G on the coding strand, the complement: BRIP1 is on the minus strand). VCF-style: chr17-61847116-G-C. GRCh37 (hg19) VCF-style: chr17-59924477-G-C.
Identifiers: ClinVar variation 136151 (VCV000136151.26), dbSNP rs587780832, ClinGen allele CA332993.